The following is an entry in ClinVar:

NM_015164.4(PLEKHM2):c.2641G>A (p.Val881Ile)

Gene: PLEKHM2 (pleckstrin homology and RUN domain containing M2; plus strand). Cytogenetic location: 1p36.21.
Variant type: single nucleotide variant.
Coding change: c.2641G>A on transcript NM_015164.4 (MANE Select); coding-DNA position 2641, G replaced by A.
Protein change: p.Val881Ile; replaces valine 881 with isoleucine.
Molecular consequence: missense variant.
Genome position (GRCh38, 1-based): chr1:15,732,365, G>A. VCF-style: chr1-15732365-G-A. GRCh37 (hg19) VCF-style: chr1-16058860-G-A.
Other names: short protein forms V881I.
Identifiers: ClinVar variation 1515962 (VCV001515962.6), dbSNP rs748768806, ClinGen allele CA617324.

ClinVar aggregate classification (germline): Uncertain significance (1 of 4 stars; one submission).

Allele frequency attached by ClinVar (database versions not stated): gnomAD 0.00002; TOPMed 0.00002; ExAC 0.00010.
gnomAD v4.1: 13 of 1,554,276 alleles (0.00084%); highest among the groups gnomAD compares: African/African-American, 0.0027%; no homozygotes.

Submission:

Labcorp Genetics (formerly Invitae), Labcorp
Classification: Uncertain significance. Last evaluated: 2022-07-25. Review status: criteria provided, single submitter. Criteria: Invitae Variant Classification Sherloc (09022015). Collection method: clinical testing. Allele origin: germline.
Comment: In summary, the available evidence is currently insufficient to determine the role of this variant in disease. Therefore, it has been classified as a Variant of Uncertain Significance. This sequence change replaces valine, which is neutral and non-polar, with isoleucine, which is neutral and non-polar, at codon 881 of the PLEKHM2 protein (p.Val881Ile). The frequency data for this variant in the population databases is considered unreliable, as metrics indicate poor data quality at this position in the gnomAD database. This variant has not been reported in the literature in individuals affected with PLEKHM2-related conditions. ClinVar contains an entry for this variant (Variation ID: 1515962). Algorithms developed to predict the effect of missense changes on protein structure and function output the following: SIFT: "Tolerated"; PolyPhen-2: "Benign"; Align-GVGD: "Class C0". The isoleucine amino acid residue is found in multiple mammalian species, which suggests that this missense change does not adversely affect protein function.